The following is an entry in ClinVar:

ClinVar aggregate classification (germline): Benign/Likely benign. Review status: criteria provided, multiple submitters, no conflicts (2 of 4 stars). 10 submissions from 9 submitters: Benign (5); Likely benign (5). Last evaluated 2026-10-01.

Conditions:
Colorectal cancer. Also called: Malignant Colorectal Neoplasm; Colorectal cancer, somatic. Identifiers: MedGen C0346629, MONDO:0005575, OMIM 114500.
Inborn genetic diseases. Identifiers: MedGen C0950123, MeSH D030342.
Mosaic variegated aneuploidy syndrome 1 (MVA1). Also called: Warburton-Anyane-Yeboa syndrome. Identifiers: Orphanet 1052, MedGen C1850343, MONDO:0009759, OMIM 257300.
Premature chromatid separation trait (PCS). Also called: TOTAL PREMATURE CHROMATID SEPARATION TRAIT. Identifiers: MedGen C1864389, MONDO:0008304, OMIM 176430.

Allele frequency attached by ClinVar (database versions not stated): 1000 Genomes Project 30x 0.00281; 1000 Genomes Project 0.00300; TOPMed 0.00583; gnomAD 0.00587 and 0.00606; ExAC 0.00685; gnomAD exomes 0.00694 and 0.00969; ESP Exome Variant Server 0.00800.
gnomAD v4.1: 15,045 of 1,613,708 alleles (0.93%); highest among the groups gnomAD compares: Middle Eastern, 1.5%; 114 homozygotes.

Submissions (10):

CeGaT Center for Human Genetics Tuebingen
Classification: Benign. Last evaluated: 2026-10-01. Review status: criteria provided, single submitter. Criteria: CeGaT Center For Human Genetics Tuebingen Variant Classification Criteria Version 2. Collection method: clinical testing. Allele origin: germline. Affected: yes. Observed: 37 variant alleles.
Comment: BUB1B: BP4, BP7, BS1, BS2

Labcorp Genetics (formerly Invitae), Labcorp
Classification: Benign for Mosaic variegated aneuploidy syndrome 1. Last evaluated: 2026-02-03. Review status: criteria provided, single submitter. Criteria: Invitae Variant Classification Sherloc (09022015). Collection method: clinical testing. Allele origin: germline.

KCCC/NGS Laboratory, Kuwait Cancer Control Center
Classification: Benign for Premature chromatid separation trait. Last evaluated: 2025-02-01. Review status: criteria provided, single submitter. Criteria: ACMG Guidelines, 2015. Collection method: clinical testing. Allele origin: germline. Affected: no.

Blueprint Genetics
Classification: Likely benign. Last evaluated: 2024-11-27. Review status: criteria provided, single submitter. Criteria: ACMG Guidelines, 2015. Collection method: clinical testing. Allele origin: germline.

Mayo Clinic Laboratories, Mayo Clinic
Classification: Benign. Last evaluated: 2024-07-23. Review status: criteria provided, single submitter. Criteria: ACMG Guidelines, 2015. Collection method: clinical testing. Allele origin: germline. Observed: 5 variant alleles.
Comment: BS1, BS2, BP4, BP7

KCCC/NGS Laboratory, Kuwait Cancer Control Center
Classification: Benign for Colorectal cancer. Last evaluated: 2023-07-07. Review status: criteria provided, single submitter. Criteria: ACMG Guidelines, 2015. Collection method: clinical testing. Allele origin: germline. Affected: yes.

Ambry Genetics
Classification: Likely benign for Inborn genetic diseases. Last evaluated: 2022-02-12. Review status: criteria provided, single submitter. Criteria: Ambry Variant Classification Scheme 2023. Collection method: clinical testing. Allele origin: germline.

GeneDx
Classification: Likely benign. Last evaluated: 2020-09-14. Review status: criteria provided, single submitter. Criteria: GeneDx Variant Classification Process June 2021. Collection method: clinical testing. Allele origin: germline. Affected: yes.
Comment: This variant is associated with the following publications: (PMID: 16182441)

Genetic Services Laboratory, University of Chicago
Classification: Likely benign. Last evaluated: 2017-04-05. Review status: criteria provided, single submitter. Criteria: ACMG Guidelines, 2015. Collection method: clinical testing. Allele origin: germline. Affected: no.

Breakthrough Genomics
Classification: Likely benign. Review status: criteria provided, single submitter. Criteria: ACMG Guidelines, 2015. Collection method: not provided. Allele origin: germline. Inheritance: Autosomal recessive inheritance. Affected: yes.

NM_001211.6(BUB1B):c.348T>C (p.Tyr116=)

Gene: BUB1B (BUB1 mitotic checkpoint serine/threonine kinase B; plus strand). Cytogenetic location: 15q15.1.
Variant type: single nucleotide variant.
Coding change: c.348T>C on transcript NM_001211.6 (MANE Select); coding-DNA position 348, T replaced by C.
Protein change: p.Tyr116=; no amino-acid change (tyrosine 116 retained).
Molecular consequence: synonymous variant.
Genome position (GRCh38, 1-based): chr15:40,170,645, T>C. VCF-style: chr15-40170645-T-C. GRCh37 (hg19) VCF-style: chr15-40462846-T-C.
Other names: p.Tyr116=.
Identifiers: ClinVar variation 238666 (VCV000238666.56), dbSNP rs28989189, ClinGen allele CA7475458.
Genomic context (GRCh38, chr15:40,170,645, plus strand): 5'-TAATATGTCAACGTTATTAGAAAGAGCTGTAGAAGCACTACAAGGAGAAAAACGATATTA[T>C]AGTGATCCTCGATTTCTCAATCTCTGGCTTAAATTAGTAAGTCTTTCTCAAGTGCCATCT-3'
Protein context (NP_001202.5, residues 106-126): VEALQGEKRY[Tyr116=]SDPRFLNLWL